The following is an entry in ClinVar:

NM_000218.3(KCNQ1):c.837dup (p.Val280fs)

Gene: KCNQ1 (potassium voltage-gated channel subfamily Q member 1; plus strand). Cytogenetic location: 11p15.5.
Variant type: Duplication.
Coding change: c.837dup on transcript NM_000218.3 (MANE Select); coding-DNA position 837, one base duplicated (T; older notation c.837dupT).
Protein change: p.Val280fs; shifts the reading frame from valine 280.
Molecular consequence: frameshift variant.
Genome position (GRCh38, 1-based): chr11:2,572,902, T duplicated; the last of 3 consecutive T bases (chr11:2,572,900-2,572,902); duplicating any one gives the same sequence. VCF-style (leftmost placement, unchanged base first): chr11-2572899-C-CT. GRCh37 (hg19) VCF-style: chr11-2594129-C-CT.
Other names: c.837dup, p.Val280Cysfs (NM_001406836.1); c.567dup, p.Val190Cysfs (NM_001406837.1); c.456dup, p.Val153Cysfs (NM_181798.2); short protein forms V280fs, V153fs.
Identifiers: ClinVar variation 1454509 (VCV001454509.10), dbSNP rs2133732704, ClinGen allele CA2573146075.

ClinVar aggregate classification (germline): Pathogenic (1 of 4 stars; one submission).

Conditions:
Long QT syndrome (LQTS). Identifiers: MedGen C0023976, MeSH D008133, MONDO:0002442. Disease mechanism: loss of function. Inheritance: Various modes of inheritance.

Submission:

Labcorp Genetics (formerly Invitae), Labcorp
Classification: Pathogenic for Long QT syndrome. Last evaluated: 2020-10-30. Review status: criteria provided, single submitter. Criteria: Invitae Variant Classification Sherloc (09022015). Collection method: clinical testing. Allele origin: germline.
Comment: This sequence change creates a premature translational stop signal (p.Val280Cysfs*5) in the KCNQ1 gene. It is expected to result in an absent or disrupted protein product. Loss-of-function variants in KCNQ1 are known to be pathogenic (PMID: 9323054, 19862833). For these reasons, this variant has been classified as Pathogenic. This variant has been observed in individual(s) with clinical features of long QT syndrome (Invitae). This variant is not present in population databases (ExAC no frequency).

Literature cited by the submitters: PubMed 9323054; PubMed 19862833.